The following is an entry in ClinVar:

ClinVar aggregate classification (germline): Pathogenic. Review status: criteria provided, multiple submitters, no conflicts (2 of 4 stars). 2 submissions from 2 submitters: Pathogenic (2). Last evaluated 2025-10-10.

Conditions:
Seizure. Also called: Seizures. Identifiers: MedGen C0036572, HP:0001250.

Submissions (2):

GeneDx
Classification: Pathogenic. Last evaluated: 2025-10-10. Review status: criteria provided, single submitter. Criteria: GeneDx Variant Classification Process June 2021. Collection method: clinical testing. Allele origin: germline. Affected: yes.
Comment: Frameshift variant predicted to result in protein truncation or nonsense mediated decay in a gene for which loss of function is a known mechanism of disease; Not observed at significant frequency in large population cohorts (gnomAD); This variant is associated with the following publications: (PMID: 27236449, 24679980)

Cytogénomique, Hospices Civils de Lyon
Classification: Pathogenic for Seizure. Last evaluated: 2019-10-18. Review status: criteria provided, single submitter. Criteria: ACMG Guidelines, 2015. Collection method: clinical testing. Allele origin: de novo. Inheritance: Sporadic. Affected: yes.

NM_001165963.4(SCN1A):c.3425_3426del (p.Lys1142fs)

Genes: SCN1A (sodium voltage-gated channel alpha subunit 1; minus strand), LOC102724058 (uncharacterized LOC102724058; plus strand). Cytogenetic location: 2q24.3.
Variant type: Deletion.
Coding change: c.3425_3426del on transcript NM_001165963.4 (MANE Select); coding-DNA positions 3425 to 3426, 2 bases deleted (AA; older notation c.3425_3426delAA).
Protein change: p.Lys1142fs; shifts the reading frame from lysine 1142.
Molecular consequence: frameshift variant. On other transcripts: non-coding transcript variant (1).
Genome position (GRCh38, 1-based): chr2:166,036,051-166,036,052, TT deleted on the plus strand (AA on the coding strand, the reverse complement: SCN1A is on the minus strand); deleting any 2 consecutive bases within chr2:166,036,051-166,036,053 gives the same sequence; the c. name uses the placement nearest the transcript's 3' end. VCF-style (leftmost placement, unchanged base first): chr2-166036050-CTT-C. GRCh37 (hg19) VCF-style: chr2-166892560-CTT-C.
Other names: c.3341_3342del, p.Lys1114fs (NM_001165964.3, NM_001353957.2, NM_001353958.2); c.3425_3426del, p.Lys1142fs (NM_001202435.3, NM_001353948.2); c.3392_3393del, p.Lys1131fs (NM_001353949.2, NM_001353950.2, NM_001353951.2 and 2 more transcripts); c.3389_3390del, p.Lys1130fs (NM_001353954.2, NM_001353955.2); c.3338_3339del, p.Lys1113fs (NM_001353960.2); c.983_984del, p.Lys328fs (NM_001353961.2); c.3425_3426del (NM_001165963.1); c.3425_3426delAA (NM_001165963.1); short protein forms K1114fs, K1113fs, K1130fs, K1131fs, K1142fs, K328fs.
Identifiers: ClinVar variation 265406 (VCV000265406.5), dbSNP rs886039529, ClinGen allele CA10588321.